The following is an entry in ClinVar:

NM_001854.4(COL11A1):c.2341-11_2341-2del

Gene: COL11A1 (collagen type XI alpha 1 chain; minus strand). Cytogenetic location: 1p21.1.
Variant type: Deletion.
Coding change: c.2341-11_2341-2del on transcript NM_001854.4 (MANE Select); 11 bases into the intron before coding-DNA position 2341 through the canonical splice acceptor site of the intron before coding-DNA position 2341, 10 bases deleted (TAATGTTTTA; older notation c.2341-11_2341-2delTAATGTTTTA).
Molecular consequence: splice acceptor variant.
Genome position (GRCh38, 1-based): chr1:102,989,573-102,989,582, TAAAACATTA deleted on the plus strand (TAATGTTTTA on the coding strand, the reverse complement: COL11A1 is on the minus strand); deleting any 10 consecutive bases within chr1:102,989,573-102,989,587 gives the same sequence; the c. name uses the placement nearest the transcript's 3' end. VCF-style (leftmost placement, unchanged base first): chr1-102989572-CTAAAACATTA-C. GRCh37 (hg19) VCF-style: chr1-103455128-CTAAAACATTA-C.
Other names: c.2224-11_2224-2del (NM_001190709.2); c.2377-11_2377-2del (NM_080629.3); c.1993-11_1993-2del (NM_080630.4).
Identifiers: ClinVar variation 2088404 (VCV002088404.4), dbSNP rs2525225166, ClinGen allele CA2580060760.
Genomic context (GRCh38, chr1:102,989,572, plus strand): 5'-ACTTACTCTGTCACCTTTTAGACCCATGTCACCTTTGAATCCTGGAAAACCATCTTCACC[CTAAAACATTA>C]TAAAAGGAATTAAATAGGAGTTTAATCAGTCCTTTGGAGTAACCTAAAATATTGCTATAA-3'

ClinVar aggregate classification (germline): Uncertain significance (1 of 4 stars; one submission).

Submission:

Labcorp Genetics (formerly Invitae), Labcorp
Classification: Uncertain significance. Last evaluated: 2022-10-16. Review status: criteria provided, single submitter. Criteria: Invitae Variant Classification Sherloc (09022015). Collection method: clinical testing. Allele origin: germline.
Comment: In summary, the available evidence is currently insufficient to determine the role of this variant in disease. Therefore, it has been classified as a Variant of Uncertain Significance. Experimental studies and prediction algorithms are not available or were not evaluated, and the effect of this variant on mRNA splicing is currently unknown. This variant has not been reported in the literature in individuals affected with COL11A1-related conditions. This variant is not present in population databases (gnomAD no frequency). This sequence change falls in intron 28 of the COL11A1 gene. It does not directly change the encoded amino acid sequence of the COL11A1 protein.